The following is an entry in ClinVar:

ClinVar aggregate classification (germline): Conflicting classifications of pathogenicity. Review status: criteria provided, conflicting classifications (1 of 4 stars). 3 submissions from 3 submitters: Uncertain significance (1); Likely benign (2). Last evaluated 2026-01-17.

Conditions:
Marfan syndrome (MFS). Also called: MARFAN SYNDROME, TYPE I; Marfan syndrome type 1; Marfan's syndrome; Marfan syndrome, classic; FBN1-Related Marfan Syndrome. Identifiers: Orphanet 284963, Orphanet 558, MedGen C0024796, MONDO:0007947, OMIM 154700.
Familial thoracic aortic aneurysm and aortic dissection (TAAD). Also called: Thoracic aortic aneurysms and dissections. Identifiers: Orphanet 91387, MedGen C4707243, MONDO:0019625.

Allele frequency attached by ClinVar (database versions not stated): ExAC 0.00001.
gnomAD v4.1: 12 of 1,614,122 alleles (0.00074%); highest among the groups gnomAD compares: South Asian, 0.013%; no homozygotes.

Submissions (3):

Labcorp Genetics (formerly Invitae), Labcorp
Classification: Likely benign for Marfan syndrome; Familial thoracic aortic aneurysm and aortic dissection. Last evaluated: 2026-01-17. Review status: criteria provided, single submitter. Criteria: Invitae Variant Classification Sherloc (09022015). Collection method: clinical testing. Allele origin: germline.

Women's Health and Genetics/Laboratory Corporation of America, LabCorp
Classification: Likely benign. Last evaluated: 2024-09-29. Review status: criteria provided, single submitter. Criteria: LabCorp Variant Classification Summary - May 2015. Collection method: clinical testing. Allele origin: germline.

All of Us Research Program, National Institutes of Health
Classification: Uncertain significance for Marfan syndrome. Last evaluated: 2023-09-05. Review status: criteria provided, single submitter. Criteria: ACMG Guidelines, 2015. Collection method: clinical testing. Allele origin: germline. Inheritance: Autosomal dominant inheritance. Observed: 2 variant alleles, 2 heterozygotes.
Comment: This variant causes a T to A nucleotide substitution at the -10 position of intron 9 of the FBN1 gene. To our knowledge, functional studies have not been reported for this variant. This variant has not been reported in individuals affected with FBN1-related disorders in the literature. This variant has been identified in 2/251128 chromosomes in the general population by the Genome Aggregation Database (gnomAD). The available evidence is insufficient to determine the role of this variant in disease conclusively. Therefore, this variant is classified as a Variant of Uncertain Significance.

This study involves interpretation of variants in research participants for the purpose of population health screening. Participant phenotype was not available at the time of variant classification. Additional details can be found in publication PMID: 35346344, PMCID: PMC8962531

NM_000138.5(FBN1):c.989-10T>A

Gene: FBN1 (fibrillin 1; minus strand). Cytogenetic location: 15q21.1.
Variant type: single nucleotide variant.
Coding change: c.989-10T>A on transcript NM_000138.5 (MANE Select); 10 bases into the intron before coding-DNA position 989, T replaced by A.
Molecular consequence: intron variant.
Genome position (GRCh38, 1-based): chr15:48,520,827, A>T on the plus strand (T>A on the coding strand, the complement: FBN1 is on the minus strand). VCF-style: chr15-48520827-A-T. GRCh37 (hg19) VCF-style: chr15-48813024-A-T.
Identifiers: ClinVar variation 2157038 (VCV002157038.6), dbSNP rs774104217, ClinGen allele CA060523.